The following is an entry in ClinVar:

NM_018960.6(GNMT):c.220A>T (p.Met74Leu)

Genes: CNPY3-GNMT (CNPY3-GNMT readthrough; plus strand), GNMT (glycine N-methyltransferase; plus strand). Cytogenetic location: 6p21.1.
Variant type: single nucleotide variant.
Coding change: c.220A>T on transcript NM_018960.6 (MANE Select); coding-DNA position 220, A replaced by T.
Protein change: p.Met74Leu; replaces methionine 74 with leucine.
Molecular consequence: missense variant. On other transcripts: non-coding transcript variant (2), intron variant (2).
Genome position (GRCh38, 1-based): chr6:42,962,225, A>T. VCF-style: chr6-42962225-A-T. GRCh37 (hg19) VCF-style: chr6-42929963-A-T.
Other names: c.22A>T, p.Met8Leu (NM_001318856.2); c.220A>T, p.Met74Leu (NM_001318865.2); c.152-537A>T (NM_001318857.2, NM_001318858.2); short protein forms M74L, M8L.
Identifiers: ClinVar variation 2863173 (VCV002863173.3), dbSNP rs1276790502, ClinGen allele CA364143913.
Genomic context (GRCh38, chr6:42,962,225, plus strand): 5'-GCTCCCCTAACTGCCTCTCTCTGCCTCTCCTCGCTGGCCGTACTCAGGGTGGACTCCATT[A>T]TGCTGGTGGAAGAGGGCTTCAGTGTGACGAGTGTGGATGCCAGTGACAAGATGCTGAAGT-3'
Protein context (NP_061833.1, residues 64-84): VACGTGVDSI[Met74Leu]LVEEGFSVTS

ClinVar aggregate classification (germline): Uncertain significance (1 of 4 stars; one submission).

Allele frequency attached by ClinVar (database versions not stated): TOPMed below 0.00001.

Submission:

Labcorp Genetics (formerly Invitae), Labcorp
Classification: Uncertain significance. Last evaluated: 2023-05-11. Review status: criteria provided, single submitter. Criteria: Invitae Variant Classification Sherloc (09022015). Collection method: clinical testing. Allele origin: germline.
Comment: This variant has not been reported in the literature in individuals affected with GNMT-related conditions. Advanced modeling of protein sequence and biophysical properties (such as structural, functional, and spatial information, amino acid conservation, physicochemical variation, residue mobility, and thermodynamic stability) performed at Invitae indicates that this missense variant is not expected to disrupt GNMT protein function. This variant is not present in population databases (gnomAD no frequency). In summary, the available evidence is currently insufficient to determine the role of this variant in disease. Therefore, it has been classified as a Variant of Uncertain Significance. This sequence change replaces methionine, which is neutral and non-polar, with leucine, which is neutral and non-polar, at codon 74 of the GNMT protein (p.Met74Leu).